The following is an entry in ClinVar:

ClinVar aggregate classification (germline): Conflicting classifications of pathogenicity. Review status: criteria provided, conflicting classifications (1 of 4 stars). 6 submissions from 6 submitters: Uncertain significance (5); Likely benign (1). Last evaluated 2025-08-20.

Conditions:
Hypokalemic periodic paralysis, type 1. Also called: Hypokalemic Periodic Paralysis Type 1 (AD); HypoPP. Identifiers: Orphanet 681, MedGen C3714580, MONDO:0042979, OMIM 170400.
Malignant hyperthermia, susceptibility to, 5 (MHS5). Also called: CACNA1S-Related Malignant Hyperthermia Susceptibility. Identifiers: Orphanet 423, MedGen C1866077, MONDO:0011163, OMIM 601887.
Inborn genetic diseases. Identifiers: MedGen C0950123, MeSH D030342.
Thyrotoxic periodic paralysis, susceptibility to, 1 (TTPP1). Identifiers: Orphanet 79102, MedGen C2749982, MONDO:0008570, OMIM 188580.

Allele frequency attached by ClinVar (database versions not stated): TOPMed 0.00003; gnomAD exomes 0.00005; ExAC 0.00006; gnomAD 0.00006; ESP Exome Variant Server 0.00008.

Submissions (6):

Labcorp Genetics (formerly Invitae), Labcorp
Classification: Likely benign for Hypokalemic periodic paralysis, type 1; Malignant hyperthermia, susceptibility to, 5. Last evaluated: 2025-08-20. Review status: criteria provided, single submitter. Criteria: Invitae Variant Classification Sherloc (09022015). Collection method: clinical testing. Allele origin: germline.

Ambry Genetics
Classification: Uncertain significance for Inborn genetic diseases. Last evaluated: 2025-06-09. Review status: criteria provided, single submitter. Criteria: Ambry Variant Classification Scheme 2023. Collection method: clinical testing. Allele origin: germline.

Color Diagnostics, LLC DBA Color Health
Classification: Uncertain significance for Malignant hyperthermia, susceptibility to, 5. Last evaluated: 2024-04-23. Review status: criteria provided, single submitter. Criteria: ACMG Guidelines, 2015. Collection method: clinical testing. Allele origin: germline.
Comment: This missense variant replaces arginine with lysine at codon 910 of the CACNA1S protein. Computational prediction suggests that this variant may have deleterious impact on protein structure and function. To our knowledge, functional studies have not been reported for this variant. This variant has not been reported in individuals affected with CACNA1S-related disorders in the literature. This variant has been identified in 15/282636 chromosomes in the general population by the Genome Aggregation Database (gnomAD). The available evidence is insufficient to determine the role of this variant in disease conclusively. Therefore, this variant is classified as a Variant of Uncertain Significance.

Blueprint Genetics
Classification: Uncertain significance. Last evaluated: 2023-12-28. Review status: criteria provided, single submitter. Criteria: ACMG Guidelines, 2015. Collection method: clinical testing. Allele origin: germline.

All of Us Research Program, National Institutes of Health
Classification: Uncertain significance for Malignant hyperthermia, susceptibility to, 5. Last evaluated: 2023-11-28. Review status: criteria provided, single submitter. Criteria: ACMG Guidelines, 2015. Collection method: clinical testing. Allele origin: germline. Inheritance: Autosomal dominant inheritance. Observed: 3 variant alleles, 3 heterozygotes.
Comment: This study involves interpretation of variants in research participants for the purpose of population health screening. Participant phenotype was not available at the time of variant classification. Additional details can be found in publication PMID: 35346344, PMCID: PMC8962531

Fulgent Genetics
Classification: Uncertain significance for Hypokalemic periodic paralysis, type 1; Thyrotoxic periodic paralysis, susceptibility to, 1; Malignant hyperthermia, susceptibility to, 5. Last evaluated: 2022-02-25. Review status: criteria provided, single submitter. Criteria: ACMG Guidelines, 2015. Collection method: clinical testing. Allele origin: unknown.

NM_000069.3(CACNA1S):c.2729G>A (p.Arg910Lys)

Gene: CACNA1S (calcium voltage-gated channel subunit alpha1 S; minus strand). Cytogenetic location: 1q32.1.
Variant type: single nucleotide variant.
Coding change: c.2729G>A on transcript NM_000069.3 (MANE Select); coding-DNA position 2729, G replaced by A.
Protein change: p.Arg910Lys; replaces arginine 910 with lysine.
Molecular consequence: missense variant.
Genome position (GRCh38, 1-based): chr1:201,066,245, C>T on the plus strand (G>A on the coding strand, the complement: CACNA1S is on the minus strand). VCF-style: chr1-201066245-C-T. GRCh37 (hg19) VCF-style: chr1-201035373-C-T.
Other names: short protein forms R910K.
Identifiers: ClinVar variation 567943 (VCV000567943.14), dbSNP rs375318710, ClinGen allele CA079234.